The following is an entry in ClinVar:

NM_020774.4(MIB1):c.1108G>A (p.Gly370Ser)

Gene: MIB1 (MIB E3 ubiquitin protein ligase 1; plus strand). Cytogenetic location: 18q11.2.
Variant type: single nucleotide variant.
Coding change: c.1108G>A on transcript NM_020774.4 (MANE Select); coding-DNA position 1108, G replaced by A.
Protein change: p.Gly370Ser; replaces glycine 370 with serine.
Molecular consequence: missense variant.
Genome position (GRCh38, 1-based): chr18:21,798,099, G>A. VCF-style: chr18-21798099-G-A. GRCh37 (hg19) VCF-style: chr18-19378060-G-A.
Other names: short protein forms G370S.
Identifiers: ClinVar variation 379846 (VCV000379846.2), dbSNP rs1057520754, ClinGen allele CA16607558.

ClinVar aggregate classification (germline): Uncertain significance (1 of 4 stars; one submission).

Submission:

GeneDx
Classification: Uncertain significance. Last evaluated: 2017-01-23. Review status: criteria provided, single submitter. Criteria: GeneDx Variant Classification (06012015). Collection method: clinical testing. Allele origin: germline. Affected: yes.
Comment: The G370S variant in the MIB1 gene has not been published as a pathogenic variant, nor has it been reported as a benign variant, to our knowledge. The G370S variant was not observed in approximately 6,500 individuals of European and African American ancestry in the NHLBI Exome Sequencing Project, indicating it is not a common benign variant in these populations. The G370S variant is a non-conservative amino acid substitution, which is likely to impact secondary protein structure as these residues differ in polarity, charge, size and/or other properties. This substitution occurs at a position that is conserved across species. In silico analysis predicts this variant is probably damaging to the protein structure/function. We interpret G370S as a variant of unknown significance.